The following is an entry in ClinVar:

ClinVar aggregate classification (germline): Pathogenic (1 of 4 stars; one submission).

Submission:

Labcorp Genetics (formerly Invitae), Labcorp
Classification: Pathogenic. Last evaluated: 2022-09-13. Review status: criteria provided, single submitter. Criteria: Invitae Variant Classification Sherloc (09022015). Collection method: clinical testing. Allele origin: germline.
Comment: This sequence change creates a premature translational stop signal (p.Ser2994Alafs*55) in the ZNF469 gene. While this is not anticipated to result in nonsense mediated decay, it is expected to disrupt the last 932 amino acid(s) of the ZNF469 protein. This variant is not present in population databases (gnomAD no frequency). This variant has not been reported in the literature in individuals affected with ZNF469-related conditions. This variant disrupts a region of the ZNF469 protein in which other variant(s) (p.Arg3414Glyfs*59) have been determined to be pathogenic (PMID: 32671420; Invitae). This suggests that this is a clinically significant region of the protein, and that variants that disrupt it are likely to be disease-causing. For these reasons, this variant has been classified as Pathogenic.

Literature cited by the submitters: PubMed 32671420.

NM_001367624.2(ZNF469):c.9063del (p.Ser3022fs)

Gene: ZNF469 (zinc finger protein 469; plus strand). Cytogenetic location: 16q24.2.
Variant type: Deletion.
Coding change: c.9063del on transcript NM_001367624.2 (MANE Select); coding-DNA position 9063, one base deleted (C; older notation c.9063delC).
Protein change: p.Ser3022fs; shifts the reading frame from serine 3022.
Molecular consequence: frameshift variant.
Genome position (GRCh38, 1-based): chr16:88,436,533, C deleted; the last of 6 consecutive C bases (chr16:88,436,528-88,436,533); deleting any one gives the same sequence. VCF-style (leftmost placement, unchanged base first): chr16-88436527-GC-G. GRCh37 (hg19) VCF-style: chr16-88502935-GC-G.
Other names: short protein forms S3022fs.
Identifiers: ClinVar variation 2160380 (VCV002160380.1), dbSNP rs1319938948, ClinGen allele CA919765363.
Genomic context (GRCh38, chr16:88,436,527, plus strand): 5'-CCTGGAGATGCCGGCCCCTGCCGATGACTCCTCCTCTTCTCTCGGAGATGTGAGCCCCGA[GC>G]CCCCCAGCCTGGAGAGAGAACGCTGTGACGGTGGGCTTCCCGGGAACACCCACCTGCTGC-3'